The following is an entry in ClinVar:

ClinVar aggregate classification (germline): Likely benign (1 of 4 stars; one submission).

Conditions:
Joubert syndrome 15 (JBTS15). Identifiers: Orphanet 475, MedGen C3280897, MONDO:0013763, OMIM 614464.

Allele frequency attached by ClinVar (database versions not stated): ExAC 0.00016; gnomAD 0.00047 and 0.00075; TOPMed 0.00074; gnomAD exomes 0.00075 and 0.00166; 1000 Genomes Project 30x 0.00406; 1000 Genomes Project 0.00479.
gnomAD v4.1: 336 of 454,488 alleles (0.074%); highest among the groups gnomAD compares: East Asian, 2.2%; 2 homozygotes.

Submission:

Illumina Laboratory Services, Illumina
Classification: Likely benign for Joubert syndrome 15. Last evaluated: 2018-01-12. Review status: criteria provided, single submitter. Criteria: ICSL Variant Classification Criteria 13 December 2019. Collection method: clinical testing. Allele origin: germline.
Comment: This variant was observed in the ICSL laboratory as part of a predisposition screen in an ostensibly healthy population. It had not been previously curated by ICSL or reported in the Human Gene Mutation Database (HGMD: prior to June 1st, 2018), and was therefore a candidate for classification through an automated scoring system. Utilizing variant allele frequency, disease prevalence and penetrance estimates, and inheritance mode, an automated score was calculated to assess if this variant is too frequent to cause the disease. Based on the score and internal cut-off values, a variant classified as likely benign is not then subjected to further curation. The score for this variant resulted in a classification of likely benign for this disease.

NM_018718.3(CEP41):c.*1534T>C

Gene: CEP41 (centrosomal protein 41; minus strand). Cytogenetic location: 7q32.2.
Variant type: single nucleotide variant.
Coding change: c.*1534T>C on transcript NM_018718.3 (MANE Select); 1534 bases downstream of the stop codon, T replaced by C.
Molecular consequence: 3 prime UTR variant. On other transcripts: non-coding transcript variant (1).
Genome position (GRCh38, 1-based): chr7:130,397,357, A>G on the plus strand (T>C on the coding strand, the complement: CEP41 is on the minus strand). VCF-style: chr7-130397357-A-G. GRCh37 (hg19) VCF-style: chr7-130037198-A-G.
Other names: c.*1534T>C (NM_001257158.2, NM_001257159.2).
Identifiers: ClinVar variation 912262 (VCV000912262.4), dbSNP rs149912245, ClinGen allele CA4485251.